The following is an entry in ClinVar:

ClinVar aggregate classification (germline): Conflicting classifications of pathogenicity. Review status: criteria provided, conflicting classifications (1 of 4 stars). 5 submissions from 5 submitters: Uncertain significance (3); Likely benign (2). Last evaluated 2026-04-29.

Conditions:
Hereditary cancer-predisposing syndrome. Also called: Tumor predisposition; Hereditary neoplastic syndrome; Neoplastic Syndromes, Hereditary; Hereditary Cancer Syndrome. Identifiers: Orphanet 140162, MedGen C0027672, MeSH D009386, MONDO:0015356.
Holoprosencephaly 7 (HPE7). Identifiers: Orphanet 2162, MedGen C1835820, MONDO:0012562, OMIM 610828.
Gorlin syndrome. Also called: Basal cell nevus syndrome; Nevoid Basal Cell Carcinoma Syndrome. Identifiers: Orphanet 377, MedGen C0004779, MONDO:0007187.

Allele frequency attached by ClinVar (database versions not stated): gnomAD exomes 0.00004 and 0.00002; TOPMed 0.00002; ExAC 0.00003; ESP Exome Variant Server 0.00008.
gnomAD v4.1: 65 of 1,613,440 alleles (0.004%); highest among the groups gnomAD compares: Non-Finnish European, 0.0051%; no homozygotes.

Submissions (5):

Ambry Genetics
Classification: Likely benign for Hereditary cancer-predisposing syndrome. Last evaluated: 2026-04-29. Review status: criteria provided, single submitter. Criteria: Ambry Variant Classification Scheme 2023. Collection method: clinical testing. Allele origin: germline.

Labcorp Genetics (formerly Invitae), Labcorp
Classification: Likely benign for Gorlin syndrome. Last evaluated: 2025-12-29. Review status: criteria provided, single submitter. Criteria: Invitae Variant Classification Sherloc (09022015). Collection method: clinical testing. Allele origin: germline.

Quest Diagnostics Nichols Institute San Juan Capistrano
Classification: Uncertain significance. Last evaluated: 2025-02-24. Review status: criteria provided, single submitter. Criteria: Quest Diagnostics criteria. Collection method: clinical testing. Allele origin: unknown.
Comment: The PTCH1 c.254G>A (p.Arg85Lys) variant has not been reported in individuals with PTCH1-related conditions in the published literature. The frequency of this variant in the general population (Genome Aggregation Database) is uninformative in the assessment of its pathogenicity. Analysis of this variant using bioinformatics tools for the prediction of the effect of amino acid changes on protein structure and function yielded predictions that this variant is benign. Based on the available information, we are unable to determine the clinical significance of this variant.

Genetic Services Laboratory, University of Chicago
Classification: Uncertain significance. Last evaluated: 2023-01-30. Review status: criteria provided, single submitter. Criteria: ACMG Guidelines, 2015. Collection method: clinical testing. Allele origin: germline. Affected: no.
Comment: DNA sequence analysis of the PTCH1 gene demonstrated a sequence change, c.254G>A, in exon 2 that results in an amino acid change, p.Arg85Lys. This sequence change does not appear to have been previously described in individuals with PTCH1-related disorders. This sequence change has been described in the gnomAD database with a frequency of 0.002% in the overall population (dbSNP rs151310492). The p.Arg85Lys change affects a moderately conserved amino acid residue located in a domain of the PTCH1 protein that is known to be functional. The p.Arg85Lys substitution appears to be benign using several in-silico pathogenicity prediction tools (SIFT, PolyPhen2, Align GVGD, REVEL). Due to insufficient evidences and the lack of functional studies, the clinical significance of the p.Arg85Lys change remains unknown at this time.

New York Genome Center
Classification: Uncertain significance for Holoprosencephaly 7. Last evaluated: 2020-09-23. Review status: criteria provided, single submitter. Criteria: NYGC Assertion Criteria 2020. Collection method: clinical testing. Allele origin: inherited. Observed: 1 heterozygote. Study: CSER-NYCKidSeq.

NM_000264.5(PTCH1):c.254G>A (p.Arg85Lys)

Gene: PTCH1 (patched 1; minus strand). Cytogenetic location: 9q22.32.
Variant type: single nucleotide variant.
Coding change: c.254G>A on transcript NM_000264.5 (MANE Select); coding-DNA position 254, G replaced by A.
Protein change: p.Arg85Lys; replaces arginine 85 with lysine.
Molecular consequence: missense variant. On other transcripts: 5 prime UTR variant (4), non-coding transcript variant (1).
Genome position (GRCh38, 1-based): chr9:95,506,547, C>T on the plus strand (G>A on the coding strand, the complement: PTCH1 is on the minus strand). VCF-style: chr9-95506547-C-T. GRCh37 (hg19) VCF-style: chr9-98268829-C-T.
Other names: c.56G>A, p.Arg19Lys (NM_001083602.3, NM_001354919.2); c.251G>A, p.Arg84Lys (NM_001083603.3); c.-200G>A (NM_001083604.3, NM_001083605.3, NM_001083606.3 and 1 more transcripts); c.254G>A, p.Arg85Lys (NM_001354918.2); short protein forms R19K, R85K, R84K.
Identifiers: ClinVar variation 486169 (VCV000486169.20), dbSNP rs151310492, ClinGen allele CA5138995.